The following is an entry in ClinVar:

NM_004706.4(ARHGEF1):c.1789G>C (p.Glu597Gln)

Gene: ARHGEF1 (Rho guanine nucleotide exchange factor 1; plus strand). Cytogenetic location: 19q13.2.
Variant type: single nucleotide variant.
Coding change: c.1789G>C on transcript NM_004706.4 (MANE Select); coding-DNA position 1789, G replaced by C.
Protein change: p.Glu597Gln; replaces glutamic acid 597 with glutamine.
Molecular consequence: missense variant.
Genome position (GRCh38, 1-based): chr19:41,903,357, G>C. VCF-style: chr19-41903357-G-C. GRCh37 (hg19) VCF-style: chr19-42407507-G-C.
Other names: c.1690G>C, p.Glu564Gln (NM_198977.2); c.1834G>C, p.Glu612Gln (NM_199002.2); short protein forms E564Q, E597Q, E612Q.
Identifiers: ClinVar variation 1061588 (VCV001061588.9), dbSNP rs2145854299, ClinGen allele CA406063032.

ClinVar aggregate classification (germline): Uncertain significance (1 of 4 stars; one submission).

Allele frequency attached by ClinVar (database versions not stated): gnomAD exomes 0.00001.
gnomAD v4.1: 3 of 1,613,968 alleles (0.00019%); highest among the groups gnomAD compares: Non-Finnish European, 0.00025%; no homozygotes.

Submission:

Labcorp Genetics (formerly Invitae), Labcorp
Classification: Uncertain significance. Last evaluated: 2023-10-03. Review status: criteria provided, single submitter. Criteria: Invitae Variant Classification Sherloc (09022015). Collection method: clinical testing. Allele origin: germline.
Comment: This sequence change replaces glutamic acid, which is acidic and polar, with glutamine, which is neutral and polar, at codon 612 of the ARHGEF1 protein (p.Glu612Gln). This variant is not present in population databases (gnomAD no frequency). This variant has not been reported in the literature in individuals affected with ARHGEF1-related conditions. ClinVar contains an entry for this variant (Variation ID: 1061588). An algorithm developed to predict the effect of missense changes on protein structure and function (PolyPhen-2) suggests that this variant is likely to be tolerated. In summary, the available evidence is currently insufficient to determine the role of this variant in disease. Therefore, it has been classified as a Variant of Uncertain Significance.